The following is an entry in ClinVar:

NM_005188.4(CBL):c.468C>T (p.Leu156=)

Gene: CBL (Cbl proto-oncogene; plus strand). Cytogenetic location: 11q23.3.
Variant type: single nucleotide variant.
Coding change: c.468C>T on transcript NM_005188.4 (MANE Select); coding-DNA position 468, C replaced by T.
Protein change: p.Leu156=; no amino-acid change (leucine 156 retained).
Molecular consequence: synonymous variant.
Genome position (GRCh38, 1-based): chr11:119,271,759, C>T. VCF-style: chr11-119271759-C-T. GRCh37 (hg19) VCF-style: chr11-119142469-C-T.
Identifiers: ClinVar variation 3627135 (VCV003627135.2).

ClinVar aggregate classification (germline): Uncertain significance (1 of 4 stars; one submission).

Conditions:
RASopathy. Also called: Noonan spectrum disorder; rasopathies. Identifiers: Orphanet 536391, MedGen C5555857, MONDO:0021060.

gnomAD v4.1: 2 of 1,614,000 alleles (0.00012%); highest among the groups gnomAD compares: Non-Finnish European, 0.000085%; no homozygotes.

Submission:

Labcorp Genetics (formerly Invitae), Labcorp
Classification: Uncertain significance for RASopathy. Last evaluated: 2024-09-16. Review status: criteria provided, single submitter. Criteria: Invitae Variant Classification Sherloc (09022015). Collection method: clinical testing. Allele origin: germline.
Comment: This sequence change affects codon 156 of the CBL mRNA. It is a 'silent' change, meaning that it does not change the encoded amino acid sequence of the CBL protein. This variant is not present in population databases (gnomAD no frequency). This variant has not been reported in the literature in individuals affected with CBL-related conditions. Algorithms developed to predict the effect of sequence changes on RNA splicing suggest that this variant may create or strengthen a splice site. In summary, the available evidence is currently insufficient to determine the role of this variant in disease. Therefore, it has been classified as a Variant of Uncertain Significance.